The following is an entry in ClinVar:

ClinVar aggregate classification (germline): Uncertain significance (1 of 4 stars; one submission).

Submission:

Labcorp Genetics (formerly Invitae), Labcorp
Classification: Uncertain significance. Last evaluated: 2023-08-19. Review status: criteria provided, single submitter. Criteria: Invitae Variant Classification Sherloc (09022015). Collection method: clinical testing. Allele origin: germline.
Comment: In summary, the available evidence is currently insufficient to determine the role of this variant in disease. Therefore, it has been classified as a Variant of Uncertain Significance. Advanced modeling of protein sequence and biophysical properties (such as structural, functional, and spatial information, amino acid conservation, physicochemical variation, residue mobility, and thermodynamic stability) performed at Invitae indicates that this missense variant is not expected to disrupt NTRK2 protein function. This variant has not been reported in the literature in individuals affected with NTRK2-related conditions. This variant is not present in population databases (gnomAD no frequency). This sequence change replaces aspartic acid, which is acidic and polar, with histidine, which is basic and polar, at codon 421 of the NTRK2 protein (p.Asp421His).

NM_006180.6(NTRK2):c.1261G>C (p.Asp421His)

Gene: NTRK2 (neurotrophic receptor tyrosine kinase 2; plus strand). Cytogenetic location: 9q21.33.
Variant type: single nucleotide variant.
Coding change: c.1261G>C on transcript NM_006180.6 (MANE Select); coding-DNA position 1261, G replaced by C.
Protein change: p.Asp421His; replaces aspartic acid 421 with histidine.
Molecular consequence: missense variant.
Genome position (GRCh38, 1-based): chr9:84,745,038, G>C. VCF-style: chr9-84745038-G-C. GRCh37 (hg19) VCF-style: chr9-87359953-G-C.
Other names: c.1261G>C, p.Asp421His (NM_001369539.1, NM_001369540.1, NM_001369541.1 and 16 more transcripts); c.1222G>C, p.Asp408His (NM_001369546.1, NM_001291937.2); c.793G>C, p.Asp265His (NM_001369550.1, NM_001369551.1, NM_001369552.1 and 2 more transcripts); c.1225G>C, p.Asp409His (NM_001369534.1); short protein forms D421H, D265H, D409H, D408H.
Identifiers: ClinVar variation 2754083 (VCV002754083.3), dbSNP rs2132378587, ClinGen allele CA374006905.
Genomic context (GRCh38, chr9:84,745,038, plus strand): 5'-GGAACTGCAGCGAATGACATCGGGGACACCACGAACAGAAGTAATGAAATCCCTTCCACA[G>C]ACGTCACTGATAAAACCGGTCGGGAACATCTCTCGGTGAGTGGAATAAATAGGTGTCTGA-3'
Protein context (NP_006171.2, residues 411-431): TNRSNEIPST[Asp421His]VTDKTGREHL